The following is an entry in ClinVar:

ClinVar aggregate classification (germline): Likely pathogenic. Review status: reviewed by expert panel (3 of 4 stars). 6 submissions from 6 submitters: Likely pathogenic (1). 5 of the submissions do not count toward it. Last evaluated 2025-10-08.

Conditions:
Glycogen storage disease, type II (IOPD). Also called: POMPE DISEASE, INFANTILE-ONSET; GLYCOGEN STORAGE DISEASE II, INFANTILE-ONSET; ACID ALPHA-GLUCOSIDASE DEFICIENCY, INFANTILE-ONSET; GAA DEFICIENCY, INFANTILE-ONSET; ACID MALTASE DEFICIENCY, INFANTILE-ONSET; CARDIOMEGALIA GLYCOGENICA DIFFUSA. Identifiers: Orphanet 365, MedGen C0017921, MONDO:0009290, OMIM 232300.

Submissions (6):

ClinGen Lysosomal Storage Disorder Variant Curation Expert Panel
Classification: Likely pathogenic for Glycogen storage disease, type II. Last evaluated: 2025-10-08. Review status: reviewed by expert panel. Criteria: clingen_lsd_acmg_specifications_v2-1. Collection method: curation. Allele origin: germline. Inheritance: Autosomal recessive inheritance.
Comment: The NM_000152.5: c.1320_1322delGAT variant is predicted to cause a change in the length of protein due to an in-frame deletion of one amino acid Met440 in a non-repeat region (PM4_Supporting). This variant has been detected in at least 3 individuals with Pompe disease. All of them were compound heterozygous for the variant and a pathogenic variant (2 cases with c.2238G>C p.Trp746Cys PMIDs: 25526786, 35071497; 1 case with c.2560C>T p.Arg854Ter PMID 28394184. 1.5 total points), meeting PM3. At least 2 patients with this variant had been reported as LOPD, one with documented GAA deficiency with <10% of normal mean control level of GAA activity (PMID: 35071497), one with muscle weakness and need ventilator support (PMID: 25526786), and another patient with this variant had been reported as IOPD (PMID: 28394184) (PP4_moderate). The variant is absent in gnomAD v4.1.0 (PM2_supporting). There is a ClinVar entry for this variant (Variant ID: 526518). In summary, this variant meets the criteria to be classified as likely pathogenic for Pompe disease. GAA-specific ACMG/AMP criteria met, as specified by the ClinGen Lysosomal Diseases Variant Curation Expert Panel (Specifications Version 2.0). Criteria applied: PM2_supporting; PM3, PM4_supporting, PP4_moderate. (Classification approved by the ClinGen Lysosomal Diseases Variant Curation Expert Panel on August 8, 2025)

Genomenon, Inc
Classification: Likely pathogenic for Glycogen storage disease, type II. Last evaluated: 2026-07-01. Review status: criteria provided, single submitter. Criteria: Genomenon Sequence Variant Interpretation Standards - Updated. Collection method: curation. Allele origin: germline. Affected: yes. Not counted in ClinVar's aggregate classification.
Comment: GAA p.Met440del (c.1320_1322del) is an in-frame deletion that results in the loss of Methionine at codon 440. This variant has been observed in at least one proband with a GAA-related disorder in the compound heterozygous and/or homozygous state (PMID:35071497;28394184). It is absent or not present at a significant frequency in gnomAD. In conclusion, we classify GAA p.Met440del (c.1320_1322del) as a likely pathogenic variant.

Labcorp Genetics (formerly Invitae), Labcorp
Classification: Likely pathogenic for Glycogen storage disease, type II. Last evaluated: 2025-03-11. Review status: criteria provided, single submitter. Criteria: Invitae Variant Classification Sherloc (09022015). Collection method: clinical testing. Allele origin: germline. Not counted in ClinVar's aggregate classification.
Comment: This variant, c.1320_1322del, results in the deletion of 1 amino acid(s) of the GAA protein (p.Met440del), but otherwise preserves the integrity of the reading frame. This variant is not present in population databases (gnomAD no frequency). This variant has been observed in individual(s) with Pompe disease (PMID: 25526786, 28394184, 38186848; internal data). In at least one individual the data is consistent with being in trans (on the opposite chromosome) from a pathogenic variant. This variant is also known as c.1315_1317delATG. ClinVar contains an entry for this variant (Variation ID: 526518). In summary, the currently available evidence indicates that the variant is pathogenic, but additional data are needed to prove that conclusively. Therefore, this variant has been classified as Likely Pathogenic.

Revvity Omics, Revvity
Classification: Likely pathogenic. Last evaluated: 2024-11-18. Review status: criteria provided, single submitter. Criteria: ACMG Guidelines, 2015. Collection method: clinical testing. Allele origin: germline. Not counted in ClinVar's aggregate classification.

Juno Genomics, Hangzhou Juno Genomics, Inc
Classification: Likely pathogenic for Glycogen storage disease, type II. Review status: criteria provided, single submitter. Criteria: ACMG Guidelines, 2015. Collection method: clinical testing. Allele origin: germline. Affected: yes. Not counted in ClinVar's aggregate classification.
Comment: Absent from controls (or at extremely low frequency if recessive) in Genome Aggregation Database, Exome Sequencing Project, 1000 Genomes Project, or Exome Aggregation Consortium.;Protein length changes due to in-frame deletions/insertions in a non-repeat region or stop-loss variants.;For recessive disorders, detected in trans with a pathogenic variant.;Patient's phenotype or family history is highly specific for a disease with a single genetic etiology.

Natera, Inc.
Classification: Uncertain significance for Glycogen storage disease type II. Last evaluated: 2020-09-16. Review status: no assertion criteria provided. Collection method: clinical testing. Allele origin: germline. Not counted in ClinVar's aggregate classification.

Literature cited by the submitters: PubMed 35071497 (cited by Genomenon, Inc); PubMed 28394184 (cited by Genomenon, Inc and Labcorp Genetics (formerly Invitae), Labcorp); PubMed 25526786 (cited by Labcorp Genetics (formerly Invitae), Labcorp); PubMed 38186848 (cited by Labcorp Genetics (formerly Invitae), Labcorp).

NM_000152.5(GAA):c.1317GAT[1] (p.Met440del)

Gene: GAA (alpha glucosidase; plus strand). Cytogenetic location: 17q25.3.
Variant type: Microsatellite.
Coding change: c.1317GAT[1] on transcript NM_000152.5 (MANE Select); one copy of the 3-base unit GAT starting at c.1317; the reference has two copies in a row; one copy, 3 bases deleted; also written c.1320_1322del.
Protein change: p.Met440del; deletes methionine 440.
Molecular consequence: inframe deletion.
Genome position (GRCh38, 1-based): chr17:80,108,822-80,108,824, GAT deleted; deleting any 3 consecutive bases within chr17:80,108,817-80,108,824 gives the same sequence; the position shown is the placement nearest the transcript's 3' end. VCF-style (leftmost placement, unchanged base first): chr17-80108816-CATG-C. GRCh37 (hg19) VCF-style: chr17-78082615-CATG-C.
Other names: NM_000152.5(GAA):c.1317GAT[1]; p.Met440del; c.1317GAT[1], p.Met440del (NM_001079803.3, NM_001079804.3); c.1320_1322del (NM_000152.3, NM_000152.5); c.1320_1322delGAT (NM_000152.5); short protein forms M440del.
Identifiers: ClinVar variation 526518 (VCV000526518.18), dbSNP rs1555600235, ClinGen allele CA658795250.